The following is an entry in ClinVar:

ClinVar aggregate classification (germline): Likely benign. Review status: criteria provided, multiple submitters, no conflicts (2 of 4 stars). 3 submissions from 3 submitters: Likely benign (3). Last evaluated 2025-11-26.

Conditions:
Medulloblastoma (MDB). Also called: Medulloblastoma, somatic; MEDULLOBLASTOMA PREDISPOSITION SYNDROME. Identifiers: Orphanet 616, MedGen C0025149, MeSH D008527, MONDO:0007959, OMIM 155255, HP:0002885.
Gorlin syndrome. Also called: Nevoid Basal Cell Carcinoma Syndrome; Basal cell nevus syndrome. Identifiers: Orphanet 377, MedGen C0004779, MONDO:0007187.
Hereditary cancer-predisposing syndrome. Also called: Hereditary Cancer Syndrome; Neoplastic Syndromes, Hereditary; Hereditary neoplastic syndrome; Tumor predisposition. Identifiers: Orphanet 140162, MedGen C0027672, MeSH D009386, MONDO:0015356.

Allele frequency attached by ClinVar (database versions not stated): gnomAD exomes below 0.00001.
gnomAD v4.1: 2 of 1,614,070 alleles (0.00012%); highest among the groups gnomAD compares: Non-Finnish European, 0.00017%; no homozygotes.

Submissions (3):

Ambry Genetics
Classification: Likely benign for Hereditary cancer-predisposing syndrome. Last evaluated: 2025-11-26. Review status: criteria provided, single submitter. Criteria: Ambry Variant Classification Scheme 2023. Collection method: clinical testing. Allele origin: germline.

CeGaT Center for Human Genetics Tuebingen
Classification: Likely benign. Last evaluated: 2025-08-01. Review status: criteria provided, single submitter. Criteria: CeGaT Center For Human Genetics Tuebingen Variant Classification Criteria Version 2. Collection method: clinical testing. Allele origin: germline. Affected: yes. Observed: 1 variant allele.
Comment: SUFU: BP4, BP7

Labcorp Genetics (formerly Invitae), Labcorp
Classification: Likely benign for Gorlin syndrome; Medulloblastoma. Last evaluated: 2021-04-14. Review status: criteria provided, single submitter. Criteria: Invitae Variant Classification Sherloc (09022015). Collection method: clinical testing. Allele origin: germline.

NM_016169.4(SUFU):c.192C>T (p.Gly64=)

Gene: SUFU (SUFU negative regulator of hedgehog signaling; plus strand). Cytogenetic location: 10q24.32.
Variant type: single nucleotide variant.
Coding change: c.192C>T on transcript NM_016169.4 (MANE Select); coding-DNA position 192, C replaced by T.
Protein change: p.Gly64=; no amino-acid change (glycine 64 retained).
Molecular consequence: synonymous variant.
Genome position (GRCh38, 1-based): chr10:102,509,178, C>T. VCF-style: chr10-102509178-C-T. GRCh37 (hg19) VCF-style: chr10-104268935-C-T.
Other names: c.192C>T (NM_016169.3); c.192C>T, p.Gly64= (NM_001178133.2).
Identifiers: ClinVar variation 1649249 (VCV001649249.16), dbSNP rs2135619956, ClinGen allele CA471305331.